The following is an entry in ClinVar:

NM_003737.4(DCHS1):c.8344C>T (p.Arg2782Trp)

Gene: DCHS1 (dachsous cadherin-related 1; minus strand). Cytogenetic location: 11p15.4.
Variant type: single nucleotide variant.
Coding change: c.8344C>T on transcript NM_003737.4 (MANE Select); coding-DNA position 8344, C replaced by T.
Protein change: p.Arg2782Trp; replaces arginine 2782 with tryptophan.
Molecular consequence: missense variant.
Genome position (GRCh38, 1-based): chr11:6,623,332, G>A on the plus strand (C>T on the coding strand, the complement: DCHS1 is on the minus strand). VCF-style: chr11-6623332-G-A. GRCh37 (hg19) VCF-style: chr11-6644563-G-A.
Other names: c.8344C>T (NM_003737.3); short protein forms R2782W.
Identifiers: ClinVar variation 2042820 (VCV002042820.5), dbSNP rs750449956, ClinGen allele CA5859437.
Genomic context (GRCh38, chr11:6,623,332, plus strand): 5'-GCACCGACACAGTGACAGAGGCTGAGAGATTCCCAGCATCAGCAGCACCCACCAGCAGCC[G>A]GAAGCTTTCTGTGTGCTCATAGTCAAAGGGCACTCGCGCACGCAACTCCCCTGTTGAGCT-3'
Protein context (NP_003728.1, residues 2772-2792): PFDYEHTESF[Arg2782Trp]LLVGAADAGN

ClinVar aggregate classification (germline): Uncertain significance. Review status: criteria provided, multiple submitters, no conflicts (2 of 4 stars). 2 submissions from 2 submitters: Uncertain significance (2). Last evaluated 2026-04-23.

Allele frequency attached by ClinVar (database versions not stated): TOPMed 0.00004; gnomAD 0.00003; ExAC 0.00008.
gnomAD v4.1: 32 of 1,594,126 alleles (0.002%); highest among the groups gnomAD compares: Middle Eastern, 0.017%; no homozygotes.

Submissions (2):

GeneDx
Classification: Uncertain significance. Last evaluated: 2026-04-23. Review status: criteria provided, single submitter. Criteria: GeneDx Variant Classification Process June 2021. Collection method: clinical testing. Allele origin: germline.
Comment: In silico analysis suggests that this missense variant does not alter protein structure/function; Has not been previously published as pathogenic or benign to our knowledge

Labcorp Genetics (formerly Invitae), Labcorp
Classification: Uncertain significance. Last evaluated: 2026-01-27. Review status: criteria provided, single submitter. Criteria: Invitae Variant Classification Sherloc (09022015). Collection method: clinical testing. Allele origin: germline.
Comment: This sequence change replaces arginine, which is basic and polar, with tryptophan, which is neutral and slightly polar, at codon 2782 of the DCHS1 protein (p.Arg2782Trp). The frequency data for this variant in the population databases is considered unreliable, as metrics indicate poor data quality at this position in the gnomAD database. This variant has not been reported in the literature in individuals affected with DCHS1-related conditions. ClinVar contains an entry for this variant (Variation ID: 2042820). Invitae Evidence Modeling of protein sequence and biophysical properties (such as structural, functional, and spatial information, amino acid conservation, physicochemical variation, residue mobility, and thermodynamic stability) indicates that this missense variant is not expected to disrupt DCHS1 protein function with a negative predictive value of 80%. In summary, the available evidence is currently insufficient to determine the role of this variant in disease. Therefore, it has been classified as a Variant of Uncertain Significance.